The following is an entry in ClinVar:

NM_001080421.3(UNC13A):c.4872C>T (p.Tyr1624=)

Gene: UNC13A (unc-13 homolog A; minus strand). Cytogenetic location: 19p13.11.
Variant type: single nucleotide variant.
Coding change: c.4872C>T on transcript NM_001080421.3 (MANE Select); coding-DNA position 4872, C replaced by T.
Protein change: p.Tyr1624=; no amino-acid change (tyrosine 1624 retained).
Molecular consequence: synonymous variant.
Genome position (GRCh38, 1-based): chr19:17,606,294, G>A on the plus strand (C>T on the coding strand, the complement: UNC13A is on the minus strand). VCF-style: chr19-17606294-G-A. GRCh37 (hg19) VCF-style: chr19-17717103-G-A.
Other names: c.4860C>T, p.Tyr1620= (NM_001387021.1); c.4857C>T, p.Tyr1619= (NM_001387022.1); c.4791C>T, p.Tyr1597= (NM_001387023.1).
Identifiers: ClinVar variation 3351187 (VCV003351187.1).

ClinVar aggregate classification (germline): Likely benign (0 of 4 stars; one submission).

Conditions:
UNC13A-related disorder. Also called: UNC13A-related condition.

gnomAD v4.1: 25 of 1,549,644 alleles (0.0016%); highest among the groups gnomAD compares: Non-Finnish European, 0.0021%; no homozygotes.

Submission:

PreventionGenetics, part of Exact Sciences
Classification: Likely benign for UNC13A-related condition. Last evaluated: 2024-02-08. Review status: no assertion criteria provided. Collection method: clinical testing. Allele origin: germline.
Comment: This variant is classified as likely benign based on ACMG/AMP sequence variant interpretation guidelines (Richards et al. 2015 PMID: 25741868, with internal and published modifications).